The following is an entry in ClinVar:

NM_001148.6(ANK2):c.2278-3C>T

Gene: ANK2 (ankyrin 2; plus strand). Cytogenetic location: 4q26.
Variant type: single nucleotide variant.
Coding change: c.2278-3C>T on transcript NM_001148.6 (MANE Select); 3 bases into the intron before coding-DNA position 2278, C replaced by T.
Molecular consequence: intron variant.
Genome position (GRCh38, 1-based): chr4:113,292,413, C>T. VCF-style: chr4-113292413-C-T. GRCh37 (hg19) VCF-style: chr4-114213569-C-T.
Other names: c.2266-3C>T (NM_001386186.2, NM_001386148.2); c.2068-3C>T (NM_001354269.3); c.2242-3C>T (NM_001386187.2); c.2236-3C>T (NM_001386147.1, NM_001386160.1, NM_001354261.2); c.2215-3C>T (NM_001354254.2, NM_001354239.2, NM_001354252.2 and 10 more transcripts); c.2116-3C>T (NM_001354253.2, NM_001354270.2, NM_001354257.2 and 1 more transcripts); c.2191-3C>T (NM_001354249.2, NM_001354266.2, NM_001354276.2 and 10 more transcripts); c.2092-3C>T (NM_001386151.1, NM_001354260.2, NM_001354271.2); and 8 more.
Identifiers: ClinVar variation 1509666 (VCV001509666.7), dbSNP rs2068212813, ClinGen allele CA1066862031.

ClinVar aggregate classification (germline): Uncertain significance. Review status: criteria provided, multiple submitters, no conflicts (2 of 4 stars). 2 submissions from 2 submitters: Uncertain significance (2). Last evaluated 2023-10-15.

Conditions:
Long QT syndrome (LQTS). Identifiers: MedGen C0023976, MeSH D008133, MONDO:0002442. Disease mechanism: loss of function. Inheritance: Various modes of inheritance.

Allele frequency attached by ClinVar (database versions not stated): gnomAD exomes below 0.00001; TOPMed below 0.00001; gnomAD 0.00001.
gnomAD v4.1: 2 of 1,608,704 alleles (0.00012%); highest among the groups gnomAD compares: African/African-American, 0.0013%; no homozygotes.

Submissions (2):

GeneDx
Classification: Uncertain significance. Last evaluated: 2023-10-15. Review status: criteria provided, single submitter. Criteria: GeneDx Variant Classification Process June 2021. Collection method: clinical testing. Allele origin: germline. Affected: yes.
Comment: Not observed at significant frequency in large population cohorts (gnomAD); In silico analysis supports that this variant does not alter splicing; Has not been previously published as pathogenic or benign to our knowledge

Labcorp Genetics (formerly Invitae), Labcorp
Classification: Uncertain significance for Long QT syndrome. Last evaluated: 2022-10-17. Review status: criteria provided, single submitter. Criteria: Invitae Variant Classification Sherloc (09022015). Collection method: clinical testing. Allele origin: germline.
Comment: ClinVar contains an entry for this variant (Variation ID: 1509666). In summary, the available evidence is currently insufficient to determine the role of this variant in disease. Therefore, it has been classified as a Variant of Uncertain Significance. Variants that disrupt the consensus splice site are a relatively common cause of aberrant splicing (PMID: 17576681, 9536098). Algorithms developed to predict the effect of sequence changes on RNA splicing suggest that this variant is not likely to affect RNA splicing. This variant has not been reported in the literature in individuals affected with ANK2-related conditions. This variant is not present in population databases (gnomAD no frequency). This sequence change falls in intron 20 of the ANK2 gene. It does not directly change the encoded amino acid sequence of the ANK2 protein. It affects a nucleotide within the consensus splice site.

Literature cited by the submitters: PubMed 17576681 (cited by Labcorp Genetics (formerly Invitae), Labcorp); PubMed 9536098 (cited by Labcorp Genetics (formerly Invitae), Labcorp).